The following is an entry in ClinVar:

NM_002539.3(ODC1):c.643G>C (p.Ala215Pro)

Gene: ODC1 (ornithine decarboxylase 1; minus strand). Cytogenetic location: 2p25.1.
Variant type: single nucleotide variant.
Coding change: c.643G>C on transcript NM_002539.3 (MANE Select); coding-DNA position 643, G replaced by C.
Protein change: p.Ala215Pro; replaces alanine 215 with proline.
Molecular consequence: missense variant.
Genome position (GRCh38, 1-based): chr2:10,443,513, C>G on the plus strand (G>C on the coding strand, the complement: ODC1 is on the minus strand). VCF-style: chr2-10443513-C-G. GRCh37 (hg19) VCF-style: chr2-10583639-C-G.
Other names: c.256G>C, p.Ala86Pro (NM_001287188.2); c.643G>C, p.Ala215Pro (NM_001287189.2, NM_001287190.2); short protein forms A215P, A86P.
Identifiers: ClinVar variation 3364278 (VCV003364278.1).

ClinVar aggregate classification (germline): Uncertain significance (1 of 4 stars; one submission).

Submission:

GeneDx
Classification: Uncertain significance. Last evaluated: 2023-11-12. Review status: criteria provided, single submitter. Criteria: GeneDx Variant Classification Process June 2021. Collection method: clinical testing. Allele origin: germline. Affected: yes.
Comment: Not observed at significant frequency in large population cohorts (gnomAD); In silico analysis supports that this missense variant has a deleterious effect on protein structure/function; Has not been previously published as pathogenic or benign to our knowledge